The following is an entry in ClinVar:

ClinVar aggregate classification (germline): Uncertain significance (1 of 4 stars; one submission).

Conditions:
Emery-Dreifuss muscular dystrophy 4, autosomal dominant (EDMD4). Also called: EMERY-DREIFUSS MUSCULAR DYSTROPHY 4 WITH VARIABLE FEATURES. Identifiers: Orphanet 261, MedGen C2751807, MONDO:0013071, OMIM 612998.
Autosomal recessive ataxia, Beauce type. Also called: Spinocerebellar ataxia, autosomal recessive 8; ATAXIA, RECESSIVE, OF BEAUCE; SYNE1 Deficiency; SYNE1-Related Autosomal Recessive Cerebellar Ataxia. Identifiers: Orphanet 88644, MedGen C1853116, MONDO:0012549, OMIM 610743.

gnomAD v4.1: 4 of 1,614,176 alleles (0.00025%); highest among the groups gnomAD compares: Non-Finnish European, 0.00034%; no homozygotes.

Submission:

Labcorp Genetics (formerly Invitae), Labcorp
Classification: Uncertain significance for Emery-Dreifuss muscular dystrophy 4, autosomal dominant; Autosomal recessive ataxia, Beauce type. Last evaluated: 2022-07-26. Review status: criteria provided, single submitter. Criteria: Invitae Variant Classification Sherloc (09022015). Collection method: clinical testing. Allele origin: germline.
Comment: This sequence change replaces glutamic acid, which is acidic and polar, with aspartic acid, which is acidic and polar, at codon 1114 of the SYNE1 protein (p.Glu1114Asp). This variant is not present in population databases (gnomAD no frequency). This variant has not been reported in the literature in individuals affected with SYNE1-related conditions. ClinVar contains an entry for this variant (Variation ID: 1444158). Algorithms developed to predict the effect of missense changes on protein structure and function output the following: SIFT: "Tolerated"; PolyPhen-2: "Benign"; Align-GVGD: "Class C0". The aspartic acid amino acid residue is found in multiple mammalian species, which suggests that this missense change does not adversely affect protein function. In summary, the available evidence is currently insufficient to determine the role of this variant in disease. Therefore, it has been classified as a Variant of Uncertain Significance.

NM_182961.4(SYNE1):c.3321G>T (p.Glu1107Asp)

Gene: SYNE1 (spectrin repeat containing nuclear envelope protein 1; minus strand). Cytogenetic location: 6q25.2.
Variant type: single nucleotide variant.
Coding change: c.3321G>T on transcript NM_182961.4 (MANE Select); coding-DNA position 3321, G replaced by T.
Protein change: p.Glu1107Asp; replaces glutamic acid 1107 with aspartic acid.
Molecular consequence: missense variant.
Genome position (GRCh38, 1-based): chr6:152,450,699, C>A on the plus strand (G>T on the coding strand, the complement: SYNE1 is on the minus strand). VCF-style: chr6-152450699-C-A. GRCh37 (hg19) VCF-style: chr6-152771834-C-A.
Other names: c.3342G>T, p.Glu1114Asp (NM_033071.5); short protein forms E1107D, E1114D.
Identifiers: ClinVar variation 1444158 (VCV001444158.6), dbSNP rs2154250248, ClinGen allele CA366149661.